The following is an entry in ClinVar:

ClinVar aggregate classification (germline): Uncertain significance (1 of 4 stars; one submission).

Conditions:
Cornelia de Lange syndrome 3 (CDLS3). Also called: SMC3-Related Cornelia de Lange Syndrome; CORNELIA DE LANGE SYNDROME 3 WITH OR WITHOUT MIDLINE BRAIN DEFECTS. Identifiers: Orphanet 199, MedGen C1853099, MONDO:0012555, OMIM 610759.

Submission:

Labcorp Genetics (formerly Invitae), Labcorp
Classification: Uncertain significance for Cornelia de Lange syndrome 3. Last evaluated: 2025-10-13. Review status: criteria provided, single submitter. Criteria: Invitae Variant Classification Sherloc (09022015). Collection method: clinical testing. Allele origin: germline.
Comment: This sequence change replaces lysine, which is basic and polar, with arginine, which is basic and polar, at codon 778 of the SMC3 protein (p.Lys778Arg). This variant is present in population databases (rs781558489, gnomAD 0.0009%). This variant has not been reported in the literature in individuals affected with SMC3-related conditions. Invitae Evidence Modeling of protein sequence and biophysical properties (such as structural, functional, and spatial information, amino acid conservation, physicochemical variation, residue mobility, and thermodynamic stability) indicates that this missense variant is not expected to disrupt SMC3 protein function with a negative predictive value of 95%. In summary, the available evidence is currently insufficient to determine the role of this variant in disease. Therefore, it has been classified as a Variant of Uncertain Significance.

NM_005445.4(SMC3):c.2333A>G (p.Lys778Arg)

Gene: SMC3 (structural maintenance of chromosomes 3; plus strand). Cytogenetic location: 10q25.2.
Variant type: single nucleotide variant.
Coding change: c.2333A>G on transcript NM_005445.4 (MANE Select); coding-DNA position 2333, A replaced by G.
Protein change: p.Lys778Arg; replaces lysine 778 with arginine.
Molecular consequence: missense variant.
Genome position (GRCh38, 1-based): chr10:110,599,718, A>G. VCF-style: chr10-110599718-A-G. GRCh37 (hg19) VCF-style: chr10-112359476-A-G.
Other names: short protein forms K778R.
Identifiers: ClinVar variation 4761646 (VCV004761646.1).